The following is an entry in ClinVar:

ClinVar aggregate classification (germline): Uncertain significance (1 of 4 stars; one submission).

Conditions:
Spastic paraplegia. Identifiers: MedGen C0037772, HP:0001258.

Submission:

Labcorp Genetics (formerly Invitae), Labcorp
Classification: Uncertain significance for Spastic paraplegia. Last evaluated: 2020-06-10. Review status: criteria provided, single submitter. Criteria: Invitae Variant Classification Sherloc (09022015). Collection method: clinical testing. Allele origin: germline.
Comment: In summary, the available evidence is currently insufficient to determine the role of this variant in disease. Therefore, it has been classified as a Variant of Uncertain Significance. Algorithms developed to predict the effect of sequence changes on RNA splicing suggest that this variant may create or strengthen a splice site, but this prediction has not been confirmed by published transcriptional studies. Algorithms developed to predict the effect of missense changes on protein structure and function (SIFT, PolyPhen-2, Align-GVGD) all suggest that this variant is likely to be disruptive, but these predictions have not been confirmed by published functional studies and their clinical significance is uncertain. This variant has not been reported in the literature in individuals with L1CAM-related conditions. This variant is not present in population databases (ExAC no frequency). This sequence change replaces alanine with valine at codon 59 of the L1CAM protein (p.Ala59Val). The alanine residue is highly conserved and there is a small physicochemical difference between alanine and valine.

NM_001278116.2(L1CAM):c.176C>T (p.Ala59Val)

Gene: L1CAM (L1 cell adhesion molecule; minus strand). Cytogenetic location: Xq28.
Variant type: single nucleotide variant.
Coding change: c.176C>T on transcript NM_001278116.2 (MANE Select); coding-DNA position 176, C replaced by T.
Protein change: p.Ala59Val; replaces alanine 59 with valine.
Molecular consequence: missense variant.
Genome position (GRCh38, 1-based): chrX:153,872,613, G>A on the plus strand (C>T on the coding strand, the complement: L1CAM is on the minus strand). VCF-style: chrX-153872613-G-A. GRCh37 (hg19) VCF-style: chrX-153138068-G-A.
Other names: c.176C>T, p.Ala59Val (NM_000425.5, NM_024003.3); c.161C>T, p.Ala54Val (NM_001143963.2); short protein forms A54V, A59V.
Identifiers: ClinVar variation 1062737 (VCV001062737.9), dbSNP rs2148500384, ClinGen allele CA415139930.
Genomic context (GRCh38, chrX:153,872,613, plus strand): 5'-TGGCAGGCAACAGGGGCTGAGACGGCAGAGATCACTCACTGCACTTCGGGCTTGCCACTG[G>A]CCTCACACTTGAGGCTGATGTCATCTGTGGGGAAGACAACCAGGCGCCGTGGAGACTGTT-3'
Protein context (NP_001265045.1, residues 49-69): PTDDISLKCE[Ala59Val]SGKPEVQFRW